The following is an entry in ClinVar:

ClinVar aggregate classification (germline): Pathogenic. Review status: criteria provided, multiple submitters, no conflicts (2 of 4 stars). 2 submissions from 2 submitters: Pathogenic (2). Last evaluated 2026-10-01.

Conditions:
Retinoblastoma (RB1). Also called: RETINOBLASTOMA, SOMATIC. Identifiers: Orphanet 790, MedGen C0035335, MeSH D012175, MONDO:0008380, OMIM 180200, HP:0009919. Disease mechanism: loss of function. Inheritance: Both sporadic and heritable forms are tested..

Submissions (2):

St. Jude Molecular Pathology, St. Jude Children's Research Hospital
Classification: Pathogenic for Retinoblastoma. Last evaluated: 2026-10-01. Review status: criteria provided, single submitter. Criteria: St. Jude Assertion Criteria 2020. Collection method: clinical testing. Allele origin: germline.
Comment: The RB1 c.1959del p.(Val654CysfsTer4) change deletes one nucleotide to cause a frameshift and the creation of a premature stop codon. Th is change is predicted to cause protein truncation or absence of protein due to nonsense-mediated decay. This variant has been reported in individuals with retinoblastoma (PMID: 22084214, internal data). This variant is also absent in gnomAD v2.1.1. In summary, this variant meets criteria to be classified as pathogenic.

Labcorp Genetics (formerly Invitae), Labcorp
Classification: Pathogenic for Retinoblastoma. Last evaluated: 2023-06-22. Review status: criteria provided, single submitter. Criteria: Invitae Variant Classification Sherloc (09022015). Collection method: clinical testing. Allele origin: germline.
Comment: This sequence change creates a premature translational stop signal (p.Val654Cysfs*4) in the RB1 gene. It is expected to result in an absent or disrupted protein product. Loss-of-function variants in RB1 are known to be pathogenic (PMID: 17096365). This variant is not present in population databases (gnomAD no frequency). This premature translational stop signal has been observed in individual(s) with retinoblastoma (PMID: 32835838). For these reasons, this variant has been classified as Pathogenic.

Literature cited by the submitters: PubMed 17096365 (cited by Labcorp Genetics (formerly Invitae), Labcorp); PubMed 32835838 (cited by Labcorp Genetics (formerly Invitae), Labcorp).

NM_000321.3(RB1):c.1959del (p.Val654fs)

Gene: RB1 (RB transcriptional corepressor 1; plus strand). Cytogenetic location: 13q14.2.
Variant type: Deletion.
Coding change: c.1959del on transcript NM_000321.3 (MANE Select); coding-DNA position 1959, one base deleted (A; older notation c.1959delA).
Protein change: p.Val654fs; shifts the reading frame from valine 654.
Molecular consequence: frameshift variant.
Genome position (GRCh38, 1-based): chr13:48,456,348, A deleted; the last of 6 consecutive A bases (chr13:48,456,343-48,456,348); deleting any one gives the same sequence. VCF-style (leftmost placement, unchanged base first): chr13-48456342-TA-T. GRCh37 (hg19) VCF-style: chr13-49030478-TA-T.
Other names: c.1959delA, p.Val654Cysfs (NM_000321.2); c.1959del, p.Val654fs (NM_001407165.1); c.1959del (NM_000321.2); short protein forms V654fs.
Identifiers: ClinVar variation 2724056 (VCV002724056.4), dbSNP rs1566234123, ClinGen allele CA483558910.
Genomic context (GRCh38, chr13:48,456,342, plus strand): 5'-AGCAACCTCAGCCTTCCAGACCCAGAAGCCATTGAAATCTACCTCTCTTTCACTGTTTTA[TA>T]AAAAAGGTTAGTAGATGATTATTTTCAAGAGCATGGACTCTGAAACTAGGCTGACTGGGT-3'